The following is an entry in ClinVar:

NM_017739.4(POMGNT1):c.444_445del (p.Val148_Phe149insTer)

Genes: POMGNT1 (protein O-linked mannose N-acetylglucosaminyltransferase 1 (beta 1,2-); minus strand), TSPAN1 (tetraspanin 1; plus strand). Cytogenetic location: 1p34.1.
Variant type: Microsatellite.
Coding change: c.444_445del on transcript NM_017739.4 (MANE Select); coding-DNA positions 444 to 445, 2 bases deleted (GT; older notation c.444_445delGT).
Protein change: p.Val148_Phe149insTer.
Molecular consequence: frameshift variant.
Genome position (GRCh38, 1-based): chr1:46,195,900-46,195,901, AC deleted on the plus strand (GT on the coding strand, the reverse complement: POMGNT1 is on the minus strand); deleting any 2 consecutive bases within chr1:46,195,900-46,195,905 gives the same sequence; the c. name uses the placement nearest the transcript's 3' end. VCF-style (leftmost placement, unchanged base first): chr1-46195899-AAC-A. GRCh37 (hg19) VCF-style: chr1-46661571-AAC-A.
Other names: c.444_445del, p.Val148_Phe149insTer (NM_001243766.2, NM_001410783.1, NM_001437653.1 and 3 more transcripts); c.378_379del, p.Val126_Phe127insTer (NM_001290129.3, NM_001438691.1, NM_001438692.1); c.15_16del, p.Val5_Phe6insTer (NM_001290130.2).
Identifiers: ClinVar variation 4081770 (VCV004081770.1).

ClinVar aggregate classification (germline): Pathogenic (1 of 4 stars; one submission).

Conditions:
Myopathy caused by variation in POMGNT1. Identifiers: MedGen CN305639, MONDO:0700068.

Submission:

Myriad Genetics, Inc.
Classification: Pathogenic for Myopathy caused by variation in POMGNT1. Last evaluated: 2025-06-26. Review status: criteria provided, single submitter. Criteria: Myriad Autosomal Dominant, Autosomal Recessive and X-Linked Classification Criteria (2023). Collection method: clinical testing. Allele origin: unknown.
Comment: NM_017739.3(POMGNT1):c.444_445delGT(F149*) is a nonsense variant classified as pathogenic in the context of POMGNT1-related disorders. F149* has not been observed in cases with relevant disease. Relevant functional assessments of this variant are not available in the literature. F149* has not been observed in referenced population frequency databases. In summary, NM_017739.3(POMGNT1):c.444_445delGT(F149*) is a nonsense variant in a gene where loss of function is a known mechanism of disease and is predicted to disrupt protein function. Please note: this variant was assessed in the context of healthy population screening.